The following is an entry in ClinVar:

ClinVar aggregate classification (germline): Uncertain significance. Review status: criteria provided, multiple submitters, no conflicts (2 of 4 stars). 2 submissions from 2 submitters: Uncertain significance (2). Last evaluated 2024-08-09.

Conditions:
Episodic ataxia type 1 (EA1). Also called: ATAXIA, EPISODIC, WITH MYOKYMIA; Episodic ataxia/myokymia syndrome; MYOKYMIA WITH PERIODIC ATAXIA; PAROXYSMAL ATAXIA WITH NEUROMYOTONIA, HEREDITARY. Identifiers: Orphanet 37612, Orphanet 972, MedGen C1719788, MONDO:0008047, OMIM 160120.

Submissions (2):

GeneDx
Classification: Uncertain significance. Last evaluated: 2024-08-09. Review status: criteria provided, single submitter. Criteria: GeneDx Variant Classification Process June 2021. Collection method: clinical testing. Allele origin: germline. Affected: yes.
Comment: Not observed at significant frequency in large population cohorts (gnomAD); In silico analysis supports that this missense variant has a deleterious effect on protein structure/function; Has not been previously published as pathogenic or benign to our knowledge

Institute of Human Genetics, University of Leipzig Medical Center
Classification: Uncertain significance for Episodic ataxia type 1. Last evaluated: 2022-10-10. Review status: criteria provided, single submitter. Criteria: ACMG Guidelines, 2015. Collection method: clinical testing. Allele origin: paternal. Affected: yes.
Comment: _x000D_ Criteria applied: PM2_SUP, PP2, PP3

NM_000217.3(KCNA1):c.460T>G (p.Trp154Gly)

Gene: KCNA1 (potassium voltage-gated channel subfamily A member 1; plus strand). Cytogenetic location: 12p13.32.
Variant type: single nucleotide variant.
Coding change: c.460T>G on transcript NM_000217.3 (MANE Select); coding-DNA position 460, T replaced by G.
Protein change: p.Trp154Gly; replaces tryptophan 154 with glycine.
Molecular consequence: missense variant.
Genome position (GRCh38, 1-based): chr12:4,911,838, T>G. VCF-style: chr12-4911838-T-G. GRCh37 (hg19) VCF-style: chr12-5021004-T-G.
Other names: c.460T>G (NM_000217.2); short protein forms W154G.
Identifiers: ClinVar variation 1712329 (VCV001712329.2), dbSNP rs2497352371, ClinGen allele CA383454615.